The following is an entry in ClinVar:

NM_000751.3(CHRND):c.201A>G (p.Lys67=)

Gene: CHRND (cholinergic receptor nicotinic delta subunit; plus strand). Cytogenetic location: 2q37.1.
Variant type: single nucleotide variant.
Coding change: c.201A>G on transcript NM_000751.3 (MANE Select); coding-DNA position 201, A replaced by G.
Protein change: p.Lys67=; no amino-acid change (lysine 67 retained).
Molecular consequence: synonymous variant. On other transcripts: 5 prime UTR variant (2), intron variant (1).
Genome position (GRCh38, 1-based): chr2:232,527,403, A>G. VCF-style: chr2-232527403-A-G. GRCh37 (hg19) VCF-style: chr2-233392113-A-G.
Other names: c.-71A>G (NM_001311195.2, NM_001311196.2); c.198+729A>G (NM_001256657.2).
Identifiers: ClinVar variation 3621135 (VCV003621135.2).

ClinVar aggregate classification (germline): Uncertain significance (1 of 4 stars; one submission).

Conditions:
Lethal multiple pterygium syndrome (LMPS). Identifiers: Orphanet 33108, MedGen C1854678, MONDO:0009668, OMIM 253290.

gnomAD v4.1: 2 of 1,612,858 alleles (0.00012%); highest among the groups gnomAD compares: East Asian, 0.0022%; no homozygotes.

Submission:

Labcorp Genetics (formerly Invitae), Labcorp
Classification: Uncertain significance for Lethal multiple pterygium syndrome. Last evaluated: 2024-12-31. Review status: criteria provided, single submitter. Criteria: Invitae Variant Classification Sherloc (09022015). Collection method: clinical testing. Allele origin: germline.
Comment: This sequence change affects codon 67 of the CHRND mRNA. It is a 'silent' change, meaning that it does not change the encoded amino acid sequence of the CHRND protein. This variant is present in population databases (no rsID available, gnomAD 0.06%). This variant has not been reported in the literature in individuals affected with CHRND-related conditions. Algorithms developed to predict the effect of sequence changes on RNA splicing suggest that this variant may disrupt the consensus splice site. In summary, the available evidence is currently insufficient to determine the role of this variant in disease. Therefore, it has been classified as a Variant of Uncertain Significance.